The following is an entry in ClinVar:

ClinVar aggregate classification (germline): Uncertain significance. Review status: criteria provided, multiple submitters, no conflicts (2 of 4 stars). 2 submissions from 2 submitters: Uncertain significance (2). Last evaluated 2024-09-27.

Allele frequency attached by ClinVar (database versions not stated): gnomAD 0.00001; TOPMed 0.00002.
gnomAD v4.1: 2 of 1,614,032 alleles (0.00012%); highest among the groups gnomAD compares: African/African-American, 0.0027%; no homozygotes.

Submissions (2):

Ambry Genetics
Classification: Uncertain significance. Last evaluated: 2024-09-27. Review status: criteria provided, single submitter. Criteria: Ambry Variant Classification Scheme 2023. Collection method: clinical testing. Allele origin: germline.

Center for Genomics, Ann and Robert H. Lurie Children's Hospital of Chicago
Classification: Uncertain significance. Last evaluated: 2021-03-30. Review status: criteria provided, single submitter. Criteria: ACMG Guidelines, 2015. Collection method: clinical testing. Allele origin: germline.
Comment: SELE: NM_000450 exon 6 p.Glu277Lys (c.829G>A): This variant has not been reported in the literature and is not present in large control databases. Evolutionary conservation and computational predictive tools suggest that this variant may not impact the protein. In summary, data on this variant is insufficient for disease classification. Therefore, the clinical significance of this variant is uncertain.

NM_000450.2(SELE):c.829G>A (p.Glu277Lys)

Gene: SELE (selectin E; minus strand). Cytogenetic location: 1q24.2.
Variant type: single nucleotide variant.
Coding change: c.829G>A on transcript NM_000450.2 (MANE Select); coding-DNA position 829, G replaced by A.
Protein change: p.Glu277Lys; replaces glutamic acid 277 with lysine.
Molecular consequence: missense variant.
Genome position (GRCh38, 1-based): chr1:169,729,560, C>T on the plus strand (G>A on the coding strand, the complement: SELE is on the minus strand). VCF-style: chr1-169729560-C-T. GRCh37 (hg19) VCF-style: chr1-169698701-C-T.
Other names: short protein forms E277K.
Identifiers: ClinVar variation 626012 (VCV000626012.3), dbSNP rs958543861, ClinGen allele CA32480806.